The following is an entry in ClinVar:

ClinVar aggregate classification (germline): Uncertain significance (1 of 4 stars; one submission).

Allele frequency attached by ClinVar (database versions not stated): ExAC 0.00003; gnomAD 0.00003 and 0.00004; gnomAD exomes 0.00003.
gnomAD v4.1: 48 of 1,613,882 alleles (0.003%); highest among the groups gnomAD compares: South Asian, 0.0066%; no homozygotes.

Submission:

Labcorp Genetics (formerly Invitae), Labcorp
Classification: Uncertain significance. Last evaluated: 2022-07-26. Review status: criteria provided, single submitter. Criteria: Invitae Variant Classification Sherloc (09022015). Collection method: clinical testing. Allele origin: germline.
Comment: In summary, the available evidence is currently insufficient to determine the role of this variant in disease. Therefore, it has been classified as a Variant of Uncertain Significance. Algorithms developed to predict the effect of missense changes on protein structure and function output the following: SIFT: "Deleterious"; PolyPhen-2: "Benign"; Align-GVGD: "Class C0". The leucine amino acid residue is found in multiple mammalian species, which suggests that this missense change does not adversely affect protein function. ClinVar contains an entry for this variant (Variation ID: 1425440). This variant has not been reported in the literature in individuals affected with KIAA1549-related conditions. This variant is present in population databases (rs749770202, gnomAD 0.006%). This sequence change replaces serine, which is neutral and polar, with leucine, which is neutral and non-polar, at codon 210 of the KIAA1549 protein (p.Ser210Leu).

NM_001164665.2(KIAA1549):c.629C>T (p.Ser210Leu)

Gene: KIAA1549 (KIAA1549; minus strand). Cytogenetic location: 7q34.
Variant type: single nucleotide variant.
Coding change: c.629C>T on transcript NM_001164665.2 (MANE Select); coding-DNA position 629, C replaced by T.
Protein change: p.Ser210Leu; replaces serine 210 with leucine.
Molecular consequence: missense variant.
Genome position (GRCh38, 1-based): chr7:138,918,997, G>A on the plus strand (C>T on the coding strand, the complement: KIAA1549 is on the minus strand). VCF-style: chr7-138918997-G-A. GRCh37 (hg19) VCF-style: chr7-138603743-G-A.
Other names: c.629C>T, p.Ser210Leu (NM_020910.3); short protein forms S210L.
Identifiers: ClinVar variation 1425440 (VCV001425440.7), dbSNP rs749770202, ClinGen allele CA4506907.